The following is an entry in ClinVar:

NM_004807.3(HS6ST1):c.1124G>A (p.Arg375His)

Gene: HS6ST1 (heparan sulfate 6-O-sulfotransferase 1; minus strand). Cytogenetic location: 2q14.3.
Variant type: single nucleotide variant.
Coding change: c.1124G>A on transcript NM_004807.3 (MANE Select); coding-DNA position 1124, G replaced by A.
Protein change: p.Arg375His; replaces arginine 375 with histidine.
Molecular consequence: missense variant.
Genome position (GRCh38, 1-based): chr2:128,268,274, C>T on the plus strand (G>A on the coding strand, the complement: HS6ST1 is on the minus strand). VCF-style: chr2-128268274-C-T. GRCh37 (hg19) VCF-style: chr2-129025848-C-T.
Other names: short protein forms R375H.
Identifiers: ClinVar variation 2574747 (VCV002574747.3), dbSNP rs182882999, ClinGen allele CA1867472.
Genomic context (GRCh38, chr2:128,268,274, plus strand): 5'-GGCTCGTCGGCATCCTCCCGCGGCAGTGCCTCCTTGGCCCGGTGCAGCAGACGCTCCTCG[C>T]GGCTCCTCAGGCGCTGCTCCCTGCGCTCCAGCTGCCGCTTGTACTGGTAGCGCTGCTGGA-3'
Protein context (NP_004798.3, residues 365-385): LERREQRLRS[Arg375His]EERLLHRAKE

ClinVar aggregate classification (germline): Uncertain significance. Review status: criteria provided, multiple submitters, no conflicts (2 of 4 stars). 2 submissions from 2 submitters: Uncertain significance (2). Last evaluated 2024-10-29.

Allele frequency attached by ClinVar (database versions not stated): gnomAD exomes 0.00008; ExAC 0.00028; gnomAD 0.00053; TOPMed 0.00054; 1000 Genomes Project 30x 0.00062; ESP Exome Variant Server 0.00064; 1000 Genomes Project 0.00080.
gnomAD v4.1: 201 of 1,612,444 alleles (0.012%); highest among the groups gnomAD compares: African/African-American, 0.17%; no homozygotes.

Submissions (2):

Labcorp Genetics (formerly Invitae), Labcorp
Classification: Uncertain significance. Last evaluated: 2024-10-29. Review status: criteria provided, single submitter. Criteria: Invitae Variant Classification Sherloc (09022015). Collection method: clinical testing. Allele origin: germline.
Comment: This sequence change replaces arginine, which is basic and polar, with histidine, which is basic and polar, at codon 375 of the HS6ST1 protein (p.Arg375His). This variant is present in population databases (rs182882999, gnomAD 0.2%), and has an allele count higher than expected for a pathogenic variant. This missense change has been observed in individual(s) with hypogonadotropic hypogonadism (PMID: 29931354). ClinVar contains an entry for this variant (Variation ID: 2574747). Invitae Evidence Modeling of protein sequence and biophysical properties (such as structural, functional, and spatial information, amino acid conservation, physicochemical variation, residue mobility, and thermodynamic stability) indicates that this missense variant is not expected to disrupt HS6ST1 protein function with a negative predictive value of 80%. In summary, the available evidence is currently insufficient to determine the role of this variant in disease. Therefore, it has been classified as a Variant of Uncertain Significance.

GeneDx
Classification: Uncertain significance. Last evaluated: 2023-02-07. Review status: criteria provided, single submitter. Criteria: GeneDx Variant Classification Process June 2021. Collection method: clinical testing. Allele origin: germline. Affected: yes.
Comment: Published functional studies demonstrate a damaging effect, significantly reducing sulfotransferase activity (Howard et al., 2018); Identified in a patient with delayed puberty in published literature (Howard et al., 2018); In silico analysis supports that this missense variant does not alter protein structure/function; This variant is associated with the following publications: (PMID: 29931354)

Literature cited by the submitters: PubMed 29931354 (cited by Labcorp Genetics (formerly Invitae), Labcorp).